The following is an entry in ClinVar:

NM_006343.3(MERTK):c.1400G>C (p.Gly467Ala)

Gene: MERTK (MER proto-oncogene, tyrosine kinase; plus strand). Cytogenetic location: 2q13.
Variant type: single nucleotide variant.
Coding change: c.1400G>C on transcript NM_006343.3 (MANE Select); coding-DNA position 1400, G replaced by C.
Protein change: p.Gly467Ala; replaces glycine 467 with alanine.
Molecular consequence: missense variant.
Genome position (GRCh38, 1-based): chr2:111,994,354, G>C. VCF-style: chr2-111994354-G-C. GRCh37 (hg19) VCF-style: chr2-112751931-G-C.
Other names: c.1400G>C (NM_006343.2); short protein forms G467A.
Identifiers: ClinVar variation 2153327 (VCV002153327.6), dbSNP rs368219980, ClinGen allele CA348230036.

ClinVar aggregate classification (germline): Uncertain significance. Review status: criteria provided, multiple submitters, no conflicts (2 of 4 stars). 3 submissions from 3 submitters: Uncertain significance (3). Last evaluated 2025-03-25.

Conditions:
Inborn genetic diseases. Identifiers: MedGen C0950123, MeSH D030342.
Retinitis pigmentosa 38 (RP38). Also called: ROD-CONE DYSTROPHY, CHILDHOOD-ONSET. Identifiers: Orphanet 791, MedGen C3151228, MONDO:0013469, OMIM 613862.

Allele frequency attached by ClinVar (database versions not stated): gnomAD 0.00001.
gnomAD v4.1: 4 of 1,614,058 alleles (0.00025%); highest among the groups gnomAD compares: East Asian, 0.0022%; no homozygotes.

Submissions (3):

Revvity Omics, Revvity
Classification: Uncertain significance for Retinitis pigmentosa 38. Last evaluated: 2025-03-25. Review status: criteria provided, single submitter. Criteria: ACMG Guidelines, 2015. Collection method: clinical testing. Allele origin: germline.

Ambry Genetics
Classification: Uncertain significance for Inborn genetic diseases. Last evaluated: 2023-09-29. Review status: criteria provided, single submitter. Criteria: Ambry Variant Classification Scheme 2023. Collection method: clinical testing. Allele origin: germline.

Labcorp Genetics (formerly Invitae), Labcorp
Classification: Uncertain significance. Last evaluated: 2022-04-28. Review status: criteria provided, single submitter. Criteria: Invitae Variant Classification Sherloc (09022015). Collection method: clinical testing. Allele origin: germline.
Comment: This sequence change replaces glycine, which is neutral and non-polar, with alanine, which is neutral and non-polar, at codon 467 of the MERTK protein (p.Gly467Ala). In summary, the available evidence is currently insufficient to determine the role of this variant in disease. Therefore, it has been classified as a Variant of Uncertain Significance. Algorithms developed to predict the effect of missense changes on protein structure and function (SIFT, PolyPhen-2, Align-GVGD) all suggest that this variant is likely to be disruptive. This variant has not been reported in the literature in individuals affected with MERTK-related conditions. This variant is not present in population databases (gnomAD no frequency).